The following is an entry in ClinVar:

ClinVar aggregate classification (germline): Likely benign. Review status: criteria provided, multiple submitters, no conflicts (2 of 4 stars). 3 submissions from 3 submitters: Likely benign (3). Last evaluated 2026-02-01.

Conditions:
MYO5B-related disorder. Also called: MYO5B-related condition.

Allele frequency attached by ClinVar (database versions not stated): gnomAD exomes 0.00004 and 0.00009; ExAC 0.00011; gnomAD 0.00035; TOPMed 0.00040; ESP Exome Variant Server 0.00049.
gnomAD v4.1: 119 of 1,614,104 alleles (0.0074%); highest among the groups gnomAD compares: African/African-American, 0.12%; no homozygotes.

Submissions (3):

Labcorp Genetics (formerly Invitae), Labcorp
Classification: Likely benign. Last evaluated: 2026-02-01. Review status: criteria provided, single submitter. Criteria: Invitae Variant Classification Sherloc (09022015). Collection method: clinical testing. Allele origin: germline.

PreventionGenetics, part of Exact Sciences
Classification: Likely benign for MYO5B-related condition. Last evaluated: 2024-11-25. Review status: criteria provided, single submitter. Criteria: ACMG Guidelines, 2015. Collection method: clinical testing. Allele origin: germline.
Comment: This variant is classified as likely benign based on ACMG/AMP sequence variant interpretation guidelines (Richards et al. 2015 PMID: 25741868, with internal and published modifications).

Blueprint Genetics
Classification: Likely benign. Last evaluated: 2024-01-11. Review status: criteria provided, single submitter. Criteria: ACMG Guidelines, 2015. Collection method: clinical testing. Allele origin: germline.

NM_001080467.3(MYO5B):c.225T>C (p.Thr75=)

Gene: MYO5B (myosin VB; minus strand). Cytogenetic location: 18q21.1.
Variant type: single nucleotide variant.
Coding change: c.225T>C on transcript NM_001080467.3 (MANE Select); coding-DNA position 225, T replaced by C.
Protein change: p.Thr75=; no amino-acid change (threonine 75 retained).
Molecular consequence: synonymous variant.
Genome position (GRCh38, 1-based): chr18:50,040,228, A>G on the plus strand (T>C on the coding strand, the complement: MYO5B is on the minus strand). VCF-style: chr18-50040228-A-G. GRCh37 (hg19) VCF-style: chr18-47566598-A-G.
Other names: c.225T>C (NM_001080467.2).
Identifiers: ClinVar variation 1092529 (VCV001092529.11), dbSNP rs375065425, ClinGen allele CA8961942.